The following is an entry in ClinVar:

ClinVar aggregate classification (germline): Likely benign. Review status: criteria provided, single submitter (1 of 4 stars). 2 submissions from 2 submitters: Likely benign (1). 1 of the submissions does not count toward it. Last evaluated 2024-02-23.

Conditions:
TRMU-related disorder. Also called: TRMU-related condition.

Allele frequency attached by ClinVar (database versions not stated): gnomAD exomes below 0.00001.
gnomAD v4.1: 2 of 1,613,656 alleles (0.00012%); highest among the groups gnomAD compares: Non-Finnish European, 0.000085%; no homozygotes.

Submissions (2):

Labcorp Genetics (formerly Invitae), Labcorp
Classification: Likely benign. Last evaluated: 2024-02-23. Review status: criteria provided, single submitter. Criteria: Invitae Variant Classification Sherloc (09022015). Collection method: clinical testing. Allele origin: germline.

PreventionGenetics, part of Exact Sciences
Classification: Likely benign for TRMU-related condition. Last evaluated: 2021-12-21. Review status: no assertion criteria provided. Collection method: clinical testing. Allele origin: germline. Not counted in ClinVar's aggregate classification.
Comment: This variant is classified as likely benign based on ACMG/AMP sequence variant interpretation guidelines (Richards et al. 2015 PMID: 25741868, with internal and published modifications).

NM_018006.5(TRMU):c.867G>A (p.Val289=)

Gene: TRMU (tRNA mitochondrial 2-thiouridylase; plus strand). Cytogenetic location: 22q13.31.
Variant type: single nucleotide variant.
Coding change: c.867G>A on transcript NM_018006.5 (MANE Select); coding-DNA position 867, G replaced by A.
Protein change: p.Val289=; no amino-acid change (valine 289 retained).
Molecular consequence: synonymous variant. On other transcripts: non-coding transcript variant (2).
Genome position (GRCh38, 1-based): chr22:46,353,861, G>A. VCF-style: chr22-46353861-G-A. GRCh37 (hg19) VCF-style: chr22-46749758-G-A.
Other names: c.525G>A, p.Val175= (NM_001282782.2); c.447G>A, p.Val149= (NM_001282783.2, NM_001282784.2); c.867G>A, p.Val289= (NM_001282785.2); c.867G>A (NM_018006.4).
Identifiers: ClinVar variation 1616423 (VCV001616423.10), dbSNP rs1306512461, ClinGen allele CA514925663.